The following is an entry in ClinVar:

ClinVar aggregate classification (germline): Benign/Likely benign. Review status: criteria provided, multiple submitters, no conflicts (2 of 4 stars). 3 submissions from 3 submitters: Benign (1); Likely benign (2). Last evaluated 2024-04-05.

Conditions:
Hereditary cancer-predisposing syndrome. Also called: Hereditary neoplastic syndrome; Hereditary Cancer Syndrome; Neoplastic Syndromes, Hereditary; Tumor predisposition. Identifiers: Orphanet 140162, MedGen C0027672, MeSH D009386, MONDO:0015356.
Familial adenomatous polyposis 1 (FAP1). Also called: POLYPOSIS, ADENOMATOUS INTESTINAL; FAMILIAL ADENOMATOUS POLYPOSIS 1, ATTENUATED. Identifiers: MedGen C2713442, MONDO:0021056, OMIM 175100. Disease mechanism: loss of function.

Submissions (3):

Myriad Genetics, Inc.
Classification: Benign for Familial adenomatous polyposis 1. Last evaluated: 2024-04-05. Review status: criteria provided, single submitter. Criteria: Myriad Autosomal Dominant, Autosomal Recessive and X-Linked Classification Criteria (2023). Collection method: clinical testing. Allele origin: unknown.
Comment: This variant is considered benign. This variant is a silent/synonymous amino acid change and it is not expected to impact splicing.

Labcorp Genetics (formerly Invitae), Labcorp
Classification: Likely benign for Familial adenomatous polyposis 1. Last evaluated: 2024-01-16. Review status: criteria provided, single submitter. Criteria: Invitae Variant Classification Sherloc (09022015). Collection method: clinical testing. Allele origin: germline.

Ambry Genetics
Classification: Likely benign for Hereditary cancer-predisposing syndrome. Last evaluated: 2023-01-26. Review status: criteria provided, single submitter. Criteria: Ambry Variant Classification Scheme 2023. Collection method: clinical testing. Allele origin: germline.

NM_000038.6(APC):c.6567A>G (p.Lys2189=)

Gene: APC (APC regulator of Wnt signaling pathway; plus strand). Cytogenetic location: 5q22.2.
Variant type: single nucleotide variant.
Coding change: c.6567A>G on transcript NM_000038.6 (MANE Select); coding-DNA position 6567, A replaced by G.
Protein change: p.Lys2189=; no amino-acid change (lysine 2189 retained).
Molecular consequence: synonymous variant.
Genome position (GRCh38, 1-based): chr5:112,842,161, A>G. VCF-style: chr5-112842161-A-G. GRCh37 (hg19) VCF-style: chr5-112177858-A-G.
Other names: c.6567A>G (NM_000038.5); c.6567A>G, p.Lys2189= (NM_001127510.3, NM_001354895.2); c.6513A>G, p.Lys2171= (NM_001127511.3); c.6621A>G, p.Lys2207= (NM_001354896.2); c.6597A>G, p.Lys2199= (NM_001354897.2); c.6492A>G, p.Lys2164= (NM_001354898.2); c.6483A>G, p.Lys2161= (NM_001354899.2); c.6444A>G, p.Lys2148= (NM_001354900.2); and 6 more.
Identifiers: ClinVar variation 1595108 (VCV001595108.10), dbSNP rs2149967740, ClinGen allele CA446209794.